The following is an entry in ClinVar:

NC_000008.10:g.(?_100533107)_(100733295_?)del

Gene: VPS13B (vacuolar protein sorting 13 homolog B; plus strand). Cytogenetic location: 8q22.2.
Variant type: Deletion.
Identifiers: ClinVar variation 2426392 (VCV002426392.4).

ClinVar aggregate classification (germline): Pathogenic (1 of 4 stars; one submission).

Conditions:
Cohen syndrome (COH1). Also called: Cutis verticis gyrata, retinitis pigmentosa, and sensorineural deafness; PEPPER SYNDROME. Identifiers: Orphanet 193, MedGen C0265223, MONDO:0008999, OMIM 216550.

Submission:

Labcorp Genetics (formerly Invitae), Labcorp
Classification: Pathogenic for Cohen syndrome. Last evaluated: 2022-07-18. Review status: criteria provided, single submitter. Criteria: Invitae Variant Classification Sherloc (09022015). Collection method: clinical testing. Allele origin: germline.
Comment: This variant is a gross deletion of the genomic region encompassing exon(s) 30-39 of the VPS13B gene. This deletion is out-of-frame, and is expected to create a premature termination codon and result in an absent or disrupted protein product. Loss-of-function variants in VPS13B are known to be pathogenic (PMID: 15141358, 16648375, 20461111). This variant has not been reported in the literature in individuals affected with VPS13B-related conditions. For these reasons, this variant has been classified as Pathogenic.

Literature cited by the submitters: PubMed 15141358; PubMed 16648375; PubMed 20461111.